The following is an entry in ClinVar:

ClinVar aggregate classification (germline): Uncertain significance (1 of 4 stars; one submission).

Conditions:
Developmental delay, impaired speech, and behavioral abnormalities. Identifiers: MedGen C5561957, MONDO:0859178, OMIM 619475.

Submission:

3billion
Classification: Uncertain significance for Developmental delay, impaired speech, and behavioral abnormalities. Last evaluated: 2025-09-27. Review status: criteria provided, single submitter. Criteria: ACMG Guidelines, 2015. Collection method: clinical testing. Allele origin: germline. Affected: yes.
Comment: The variant is not observed in the gnomAD v4.1.0 dataset. Predicted Consequence/Location: Missense variant In silico tool predictions suggest damaging effect of the variant on gene or gene product [REVEL: 0.76 (>=0.6, sensitivity 0.68 and specificity 0.92)]. Therefore, this variant is classified as VUS according to the recommendation of ACMG/AMP guideline.

NM_003128.3(SPTBN1):c.3939G>T (p.Trp1313Cys)

Gene: SPTBN1 (spectrin beta, non-erythrocytic 1; plus strand). Cytogenetic location: 2p16.2.
Variant type: single nucleotide variant.
Coding change: c.3939G>T on transcript NM_003128.3 (MANE Select); coding-DNA position 3939, G replaced by T.
Protein change: p.Trp1313Cys; replaces tryptophan 1313 with cysteine.
Molecular consequence: missense variant.
Genome position (GRCh38, 1-based): chr2:54,643,063, G>T. VCF-style: chr2-54643063-G-T. GRCh37 (hg19) VCF-style: chr2-54870200-G-T.
Other names: c.3900G>T, p.Trp1300Cys (NM_178313.3); short protein forms W1300C, W1313C.
Identifiers: ClinVar variation 4853966 (VCV004853966.1).